The following is an entry in ClinVar:

ClinVar aggregate classification (germline): Uncertain significance. Review status: criteria provided, multiple submitters, no conflicts (2 of 4 stars). 4 submissions from 4 submitters: Uncertain significance (3). 1 of the submissions does not count toward it. Last evaluated 2026-03-31.

Conditions:
Inborn genetic diseases. Identifiers: MedGen C0950123, MeSH D030342.
Neuronal ceroid lipofuscinosis. Also called: Neuronal Ceroid Lipofuscinoses. Identifiers: Orphanet 216, Orphanet 79263, MedGen C0027877, MONDO:0016295. Disease mechanism: loss of function.
Neuronal ceroid lipofuscinosis 8 (CLN8). Also called: CLN8-Related Neuronal Ceroid-Lipofuscinosis. Identifiers: Orphanet 168491, Orphanet 228354, Orphanet 79264, MedGen C1838570, MONDO:0010830, OMIM 600143.

Allele frequency attached by ClinVar (database versions not stated): TOPMed 0.00026; 1000 Genomes Project 30x 0.00016; gnomAD 0.00019; ESP Exome Variant Server 0.00023.
gnomAD v4.1: 55 of 1,613,860 alleles (0.0034%); highest among the groups gnomAD compares: African/African-American, 0.057%; no homozygotes.

Submissions (4):

Ambry Genetics
Classification: Uncertain significance for Inborn genetic diseases. Last evaluated: 2026-03-31. Review status: criteria provided, single submitter. Criteria: Ambry Variant Classification Scheme 2023. Collection method: clinical testing. Allele origin: germline.
Comment: The c.50A>G (p.D17G) alteration is located in exon 2 (coding exon 1) of the CLN8 gene. This alteration results from a A to G substitution at nucleotide position 50, causing the aspartic acid (D) at amino acid position 17 to be replaced by a glycine (G). Based on data from gnomAD, the G allele has an overall frequency of 0.006% (18/282842) total alleles studied. The highest observed frequency was 0.064% (16/24942) of African alleles. Based on insufficient or conflicting evidence, the clinical significance of this alteration remains unclear.

GeneDx
Classification: Uncertain significance. Last evaluated: 2024-01-23. Review status: criteria provided, single submitter. Criteria: GeneDx Variant Classification Process June 2021. Collection method: clinical testing. Allele origin: germline. Affected: yes.
Comment: In silico analysis supports that this missense variant has a deleterious effect on protein structure/function; Has not been previously published as pathogenic or benign to our knowledge

Labcorp Genetics (formerly Invitae), Labcorp
Classification: Uncertain significance for Neuronal ceroid lipofuscinosis. Last evaluated: 2022-11-01. Review status: criteria provided, single submitter. Criteria: Invitae Variant Classification Sherloc (09022015). Collection method: clinical testing. Allele origin: germline.
Comment: This sequence change replaces aspartic acid, which is acidic and polar, with glycine, which is neutral and non-polar, at codon 17 of the CLN8 protein (p.Asp17Gly). This variant is present in population databases (rs148668081, gnomAD 0.06%). This variant has not been reported in the literature in individuals affected with CLN8-related conditions. ClinVar contains an entry for this variant (Variation ID: 205201). Advanced modeling of protein sequence and biophysical properties (such as structural, functional, and spatial information, amino acid conservation, physicochemical variation, residue mobility, and thermodynamic stability) has been performed at Invitae for this missense variant, however the output from this modeling did not meet the statistical confidence thresholds required to predict the impact of this variant on CLN8 protein function. In summary, the available evidence is currently insufficient to determine the role of this variant in disease. Therefore, it has been classified as a Variant of Uncertain Significance.

Natera, Inc.
Classification: Uncertain significance for Neuronal ceroid lipofuscinosis 8. Last evaluated: 2020-02-04. Review status: no assertion criteria provided. Collection method: clinical testing. Allele origin: germline. Not counted in ClinVar's aggregate classification.

NM_018941.4(CLN8):c.50A>G (p.Asp17Gly)

Gene: CLN8 (CLN8 transmembrane ER and ERGIC protein; plus strand). Cytogenetic location: 8p23.3.
Variant type: single nucleotide variant.
Coding change: c.50A>G on transcript NM_018941.4 (MANE Select); coding-DNA position 50, A replaced by G.
Protein change: p.Asp17Gly; replaces aspartic acid 17 with glycine.
Molecular consequence: missense variant.
Genome position (GRCh38, 1-based): chr8:1,771,104, A>G. VCF-style: chr8-1771104-A-G. GRCh37 (hg19) VCF-style: chr8-1719270-A-G.
Other names: p.D17G:GAC>GGC; short protein forms D17G.
Identifiers: ClinVar variation 205201 (VCV000205201.24), dbSNP rs148668081, ClinGen allele CA314035.